The following is an entry in ClinVar:

ClinVar aggregate classification (germline): Conflicting classifications of pathogenicity. Review status: criteria provided, conflicting classifications (1 of 4 stars). 5 submissions from 5 submitters: Uncertain significance (4); Likely benign (1). Last evaluated 2026-08-27.

Conditions:
Atrial fibrillation, familial, 7 (ATFB7). Identifiers: MedGen C2677106, MONDO:0012828, OMIM 612240.
Cardiac arrhythmia. Also called: Arrhythmia; Cardiac rhythm disease. Identifiers: MedGen C0003811, MONDO:0007263, HP:0011675.

Allele frequency attached by ClinVar (database versions not stated): gnomAD exomes 0.00012 and 0.00017; gnomAD 0.00015 and 0.00016; TOPMed 0.00010; ExAC 0.00022.

Submissions (5):

GeneDx
Classification: Uncertain significance. Last evaluated: 2026-08-27. Review status: criteria provided, single submitter. Criteria: GeneDx Variant Classification Process June 2021. Collection method: clinical testing. Allele origin: germline.
Comment: Has not been previously published as pathogenic or benign to our knowledge; In silico analysis supports that this missense variant has a deleterious effect on protein structure/function

Petrovsky National Research Centre of Surgery, The Federal Agency for Scientific Organizations
Classification: Uncertain significance for Cardiac arrhythmia. Last evaluated: 2025-11-18. Review status: criteria provided, single submitter. Criteria: ACMG Guidelines, 2015. Collection method: clinical testing. Allele origin: germline. Affected: yes. Observed: 1 variant allele.
Comment: The variant is present in The Genome Aggregation Database (gnomAD) v4.1.0 with a total MAF of 0.0001221. In accordance with ACMG (2015) criteria, this variant is classified as Variant of Uncertain Significance (Class III) with the following criteria applied: PM2_moderate, PP3_supporting.

Labcorp Genetics (formerly Invitae), Labcorp
Classification: Uncertain significance for Atrial fibrillation, familial, 7. Last evaluated: 2025-01-28. Review status: criteria provided, single submitter. Criteria: Invitae Variant Classification Sherloc (09022015). Collection method: clinical testing. Allele origin: germline.
Comment: This sequence change replaces aspartic acid, which is acidic and polar, with alanine, which is neutral and non-polar, at codon 166 of the KCNA5 protein (p.Asp166Ala). This variant is present in population databases (rs748629738, gnomAD 0.04%). This variant has not been reported in the literature in individuals affected with KCNA5-related conditions. ClinVar contains an entry for this variant (Variation ID: 537306). Invitae Evidence Modeling of protein sequence and biophysical properties (such as structural, functional, and spatial information, amino acid conservation, physicochemical variation, residue mobility, and thermodynamic stability) indicates that this missense variant is expected to disrupt KCNA5 protein function with a positive predictive value of 80%. In summary, the available evidence is currently insufficient to determine the role of this variant in disease. Therefore, it has been classified as a Variant of Uncertain Significance.

CeGaT Center for Human Genetics Tuebingen
Classification: Uncertain significance. Last evaluated: 2024-08-01. Review status: criteria provided, single submitter. Criteria: CeGaT Center For Human Genetics Tuebingen Variant Classification Criteria Version 2. Collection method: clinical testing. Allele origin: germline. Affected: yes. Observed: 1 variant allele.

Blueprint Genetics
Classification: Likely benign. Last evaluated: 2024-07-10. Review status: criteria provided, single submitter. Criteria: ACMG Guidelines, 2015. Collection method: clinical testing. Allele origin: germline.

NM_002234.4(KCNA5):c.497A>C (p.Asp166Ala)

Gene: KCNA5 (potassium voltage-gated channel subfamily A member 5; plus strand). Cytogenetic location: 12p13.32.
Variant type: single nucleotide variant.
Coding change: c.497A>C on transcript NM_002234.4 (MANE Select); coding-DNA position 497, A replaced by C.
Protein change: p.Asp166Ala; replaces aspartic acid 166 with alanine.
Molecular consequence: missense variant.
Genome position (GRCh38, 1-based): chr12:5,044,644, A>C. VCF-style: chr12-5044644-A-C. GRCh37 (hg19) VCF-style: chr12-5153810-A-C.
Other names: c.497A>C (NM_002234.2); short protein forms D166A.
Identifiers: ClinVar variation 537306 (VCV000537306.39), dbSNP rs748629738, ClinGen allele CA6399635.
Genomic context (GRCh38, chr12:5,044,644, plus strand): 5'-TGGGGGACCCCGCCAAGCGCCTGCGCTACTTCGACCCCCTGAGGAACGAGTACTTCTTCG[A>C]CCGCAACCGGCCCAGCTTCGACGGTATCCTCTACTACTACCAGTCCGGGGGCCGCCTGCG-3'
Protein context (NP_002225.2, residues 156-176): FDPLRNEYFF[Asp166Ala]RNRPSFDGIL